The following is an entry in ClinVar:

ClinVar aggregate classification (germline): Pathogenic. Review status: criteria provided, multiple submitters, no conflicts (2 of 4 stars). 3 submissions from 3 submitters: Pathogenic (3). Last evaluated 2026-03-02.

Conditions:
Hereditary cancer-predisposing syndrome. Also called: Tumor predisposition; Hereditary Cancer Syndrome; Hereditary neoplastic syndrome; Neoplastic Syndromes, Hereditary. Identifiers: Orphanet 140162, MedGen C0027672, MeSH D009386, MONDO:0015356.
BAP1-related tumor predisposition syndrome (TPDS1). Also called: Tumor susceptibility linked to germline BAP1 mutations; COMMON Syndrome; TUMOR PREDISPOSITION SYNDROME 1; BAP1 tumor predisposition syndrome. Identifiers: Orphanet 289539, MedGen C3280492, MONDO:0013692, OMIM 614327.

Submissions (3):

Ambry Genetics
Classification: Pathogenic for Hereditary cancer-predisposing syndrome. Last evaluated: 2026-03-02. Review status: criteria provided, single submitter. Criteria: Ambry Variant Classification Scheme 2023. Collection method: clinical testing. Allele origin: germline.
Comment: The c.1690delC pathogenic mutation, located in coding exon 13 of the BAP1 gene, results from a deletion of one nucleotide at nucleotide position 1690, causing a translational frameshift with a predicted alternate stop codon (p.L564Wfs*7). This variant is considered to be rare based on population cohorts in the Genome Aggregation Database (gnomAD). This alteration is expected to result in loss of function by premature protein truncation or nonsense-mediated mRNA decay. As such, this alteration is interpreted as a disease-causing mutation.

Labcorp Genetics (formerly Invitae), Labcorp
Classification: Pathogenic for BAP1-related tumor predisposition syndrome. Last evaluated: 2025-12-09. Review status: criteria provided, single submitter. Criteria: Invitae Variant Classification Sherloc (09022015). Collection method: clinical testing. Allele origin: germline.
Comment: This sequence change creates a premature translational stop signal (p.Leu564Trpfs*7) in the BAP1 gene. It is expected to result in an absent or disrupted protein product. Loss-of-function variants in BAP1 are known to be pathogenic (PMID: 21874000, 23684012). This variant is not present in population databases (gnomAD no frequency). This variant has not been reported in the literature in individuals affected with BAP1-related conditions. ClinVar contains an entry for this variant (Variation ID: 2674023). For these reasons, this variant has been classified as Pathogenic.

Myriad Genetics, Inc.
Classification: Pathogenic for BAP1-related tumor predisposition syndrome. Last evaluated: 2023-12-06. Review status: criteria provided, single submitter. Criteria: Myriad Autosomal Dominant, Autosomal Recessive and X-Linked Classification Criteria (2023). Collection method: clinical testing. Allele origin: unknown.
Comment: This variant is considered pathogenic. This variant creates a frameshift predicted to result in premature protein truncation.

Literature cited by the submitters: PubMed 21874000 (cited by Labcorp Genetics (formerly Invitae), Labcorp); PubMed 23684012 (cited by Labcorp Genetics (formerly Invitae), Labcorp).

NM_004656.4(BAP1):c.1690del (p.Leu564fs)

Gene: BAP1 (BRCA1 associated deubiquitinase 1; minus strand). Cytogenetic location: 3p21.1.
Variant type: Deletion.
Coding change: c.1690del on transcript NM_004656.4 (MANE Select); coding-DNA position 1690, one base deleted (C; older notation c.1690delC).
Protein change: p.Leu564fs; shifts the reading frame from leucine 564.
Molecular consequence: frameshift variant.
Genome position (GRCh38, 1-based): chr3:52,403,455, G deleted on the plus strand (C on the coding strand, the reverse complement: BAP1 is on the minus strand); the first of 2 consecutive G bases (chr3:52,403,455-52,403,456); deleting either gives the same sequence. VCF-style (leftmost placement, unchanged base first): chr3-52403454-AG-A. GRCh37 (hg19) VCF-style: chr3-52437470-AG-A.
Other names: c.1636del, p.Leu546fs (NM_001410772.1); c.1690delC (NM_004656.2); short protein forms L546fs, L564fs.
Identifiers: ClinVar variation 2674023 (VCV002674023.3), dbSNP rs2471326909, ClinGen allele CA2695197914.